The following is an entry in ClinVar:

ClinVar aggregate classification (germline): Likely benign. Review status: criteria provided, single submitter (1 of 4 stars). 2 submissions from 2 submitters: Likely benign (1). 1 of the submissions does not count toward it. Last evaluated 2026-06-01.

Conditions:
IQCE-related disorder. Also called: IQCE-related condition.

Allele frequency attached by ClinVar (database versions not stated): gnomAD exomes 0.00021; ExAC 0.00029; gnomAD 0.00070; TOPMed 0.00082; ESP Exome Variant Server 0.00099; 1000 Genomes Project 0.00140; 1000 Genomes Project 30x 0.00172.
gnomAD v4.1: 408 of 1,612,196 alleles (0.025%); highest among the groups gnomAD compares: African/African-American, 0.3%; 2 homozygotes.

Submissions (2):

CeGaT Center for Human Genetics Tuebingen
Classification: Likely benign. Last evaluated: 2026-06-01. Review status: criteria provided, single submitter. Criteria: CeGaT Center For Human Genetics Tuebingen Variant Classification Criteria Version 2. Collection method: clinical testing. Allele origin: germline. Affected: yes. Observed: 1 variant allele.
Comment: IQCE: BP4, BP7

PreventionGenetics, part of Exact Sciences
Classification: Likely benign for IQCE-related condition. Last evaluated: 2019-06-13. Review status: no assertion criteria provided. Collection method: clinical testing. Allele origin: germline. Not counted in ClinVar's aggregate classification.
Comment: This variant is classified as likely benign based on ACMG/AMP sequence variant interpretation guidelines (Richards et al. 2015 PMID: 25741868, with internal and published modifications).

NM_152558.5(IQCE):c.1425G>A (p.Pro475=)

Gene: IQCE (IQ motif containing E; plus strand). Cytogenetic location: 7p22.3.
Variant type: single nucleotide variant.
Coding change: c.1425G>A on transcript NM_152558.5 (MANE Select); coding-DNA position 1425, G replaced by A.
Protein change: p.Pro475=; no amino-acid change (proline 475 retained).
Molecular consequence: synonymous variant.
Genome position (GRCh38, 1-based): chr7:2,594,961, G>A. VCF-style: chr7-2594961-G-A. GRCh37 (hg19) VCF-style: chr7-2634595-G-A.
Other names: c.1425G>A, p.Pro475= (NM_001287499.2); c.1377G>A, p.Pro459= (NM_001287500.2, NM_001410865.1); c.1230G>A, p.Pro410= (NM_001287501.2, NM_001287502.2).
Identifiers: ClinVar variation 3034330 (VCV003034330.4), dbSNP rs184407101, ClinGen allele CA4129188.